The following is an entry in ClinVar:

ClinVar aggregate classification (germline): Uncertain significance (1 of 4 stars; one submission).

Submission:

GeneDx
Classification: Uncertain significance. Last evaluated: 2026-07-16. Review status: criteria provided, single submitter. Criteria: GeneDx Variant Classification Process June 2021. Collection method: clinical testing. Allele origin: germline.
Comment: Frameshift variant predicted to result in protein truncation or nonsense mediated decay in a gene or region of a gene for which loss of function is not a well-established mechanism of disease; Has not been previously published as pathogenic or benign to our knowledge

NM_173348.2(FAM149B1):c.1396_1397del (p.Leu466fs)

Genes: DNAJC9 (DnaJ heat shock protein family (Hsp40) member C9; minus strand), FAM149B1 (family with sequence similarity 149 member B1; plus strand). Cytogenetic location: 10q22.2.
Variant type: Deletion.
Coding change: c.1396_1397del on transcript NM_173348.2 (MANE Select); coding-DNA positions 1396 to 1397, 2 bases deleted (CT; older notation c.1396_1397delCT).
Protein change: p.Leu466fs; shifts the reading frame from leucine 466.
Molecular consequence: frameshift variant.
Genome position (GRCh38, 1-based): chr10:73,234,860-73,234,861, CT deleted. VCF-style (leftmost placement, unchanged base first): chr10-73234859-CCT-C. GRCh37 (hg19) VCF-style: chr10-74994617-CCT-C.
Other names: short protein forms L466fs.
Identifiers: ClinVar variation 3342982 (VCV003342982.2).